The following is an entry in ClinVar:

NM_001372.4(DNAH9):c.3194A>G (p.Tyr1065Cys)

Genes: DNAH9 (dynein axonemal heavy chain 9; plus strand), LOC126862505 (BRD4-independent group 4 enhancer GRCh37_chr17:11572478-11573677; plus strand). Cytogenetic location: 17p12.
Variant type: single nucleotide variant.
Coding change: c.3194A>G on transcript NM_001372.4 (MANE Select); coding-DNA position 3194, A replaced by G.
Protein change: p.Tyr1065Cys; replaces tyrosine 1065 with cysteine.
Molecular consequence: missense variant.
Genome position (GRCh38, 1-based): chr17:11,669,635, A>G. VCF-style: chr17-11669635-A-G. GRCh37 (hg19) VCF-style: chr17-11572952-A-G.
Other names: c.3194A>G (NM_001372.3); short protein forms Y1065C.
Identifiers: ClinVar variation 2887665 (VCV002887665.4), dbSNP rs745715542, ClinGen allele CA8395381.

ClinVar aggregate classification (germline): Uncertain significance. Review status: criteria provided, multiple submitters, no conflicts (2 of 4 stars). 2 submissions from 2 submitters: Uncertain significance (2). Last evaluated 2025-04-01.

Conditions:
Inborn genetic diseases. Identifiers: MedGen C0950123, MeSH D030342.

Allele frequency attached by ClinVar (database versions not stated): ExAC 0.00001; gnomAD 0.00001; TOPMed 0.00002.
gnomAD v4.1: 16 of 1,614,050 alleles (0.00099%); highest among the groups gnomAD compares: Admixed American, 0.0067%; no homozygotes.

Submissions (2):

Ambry Genetics
Classification: Uncertain significance for Inborn genetic diseases. Last evaluated: 2025-04-01. Review status: criteria provided, single submitter. Criteria: Ambry Variant Classification Scheme 2023. Collection method: clinical testing. Allele origin: germline.

Labcorp Genetics (formerly Invitae), Labcorp
Classification: Uncertain significance. Last evaluated: 2023-08-30. Review status: criteria provided, single submitter. Criteria: Invitae Variant Classification Sherloc (09022015). Collection method: clinical testing. Allele origin: germline.
Comment: In summary, the available evidence is currently insufficient to determine the role of this variant in disease. Therefore, it has been classified as a Variant of Uncertain Significance. Advanced modeling of protein sequence and biophysical properties (such as structural, functional, and spatial information, amino acid conservation, physicochemical variation, residue mobility, and thermodynamic stability) performed at Invitae indicates that this missense variant is not expected to disrupt DNAH9 protein function. This variant has not been reported in the literature in individuals affected with DNAH9-related conditions. This variant is present in population databases (rs745715542, gnomAD 0.006%). This sequence change replaces tyrosine, which is neutral and polar, with cysteine, which is neutral and slightly polar, at codon 1065 of the DNAH9 protein (p.Tyr1065Cys).